The following is an entry in ClinVar:

ClinVar aggregate classification (germline): Benign/Likely benign. Review status: criteria provided, multiple submitters, no conflicts (2 of 4 stars). 3 submissions from 3 submitters: Benign (1); Likely benign (2). Last evaluated 2025-12-08.

Conditions:
Ehlers-Danlos syndrome, classic type, 1 (EDSCL1). Also called: Ehlers-Danlos Syndrome, Classic Type, COL5A1-Related; EHLERS-DANLOS SYNDROME, GRAVIS TYPE; EHLERS-DANLOS SYNDROME, SEVERE CLASSIC TYPE; Ehlers-Danlos syndrome, type 1; EDS I. Identifiers: MedGen C0268335, MONDO:0019567, OMIM 130000.
Familial thoracic aortic aneurysm and aortic dissection (TAAD). Also called: Thoracic aortic aneurysms and dissections. Identifiers: Orphanet 91387, MedGen C4707243, MONDO:0019625.

Allele frequency attached by ClinVar (database versions not stated): ExAC 0.00004; gnomAD exomes 0.00004 and 0.00002; TOPMed 0.00002; gnomAD 0.00003.
gnomAD v4.1: 33 of 1,613,264 alleles (0.002%); highest among the groups gnomAD compares: Admixed American, 0.022%; no homozygotes.

Submissions (3):

Labcorp Genetics (formerly Invitae), Labcorp
Classification: Benign for Ehlers-Danlos syndrome, classic type, 1. Last evaluated: 2025-12-08. Review status: criteria provided, single submitter. Criteria: Invitae Variant Classification Sherloc (09022015). Collection method: clinical testing. Allele origin: germline.

GeneDx
Classification: Likely benign. Last evaluated: 2017-11-03. Review status: criteria provided, single submitter. Criteria: GeneDx Variant Classification (06012015). Collection method: clinical testing. Allele origin: germline. Affected: yes.
Comment: This variant is considered likely benign or benign based on one or more of the following criteria: it is a conservative change, it occurs at a poorly conserved position in the protein, it is predicted to be benign by multiple in silico algorithms, and/or has population frequency not consistent with disease.

Ambry Genetics
Classification: Likely benign for Familial thoracic aortic aneurysm and aortic dissection. Last evaluated: 2016-03-03. Review status: criteria provided, single submitter. Criteria: Ambry Variant Classification Scheme 2023. Collection method: clinical testing. Allele origin: germline.

NM_000093.5(COL5A1):c.2991C>T (p.Gly997=)

Gene: COL5A1 (collagen type V alpha 1 chain; plus strand). Cytogenetic location: 9q34.3.
Variant type: single nucleotide variant.
Coding change: c.2991C>T on transcript NM_000093.5 (MANE Select); coding-DNA position 2991, C replaced by T.
Protein change: p.Gly997=; no amino-acid change (glycine 997 retained).
Molecular consequence: synonymous variant.
Genome position (GRCh38, 1-based): chr9:134,801,992, C>T. VCF-style: chr9-134801992-C-T. GRCh37 (hg19) VCF-style: chr9-137693838-C-T.
Other names: c.2991C>T, p.Gly997= (NM_001278074.1).
Identifiers: ClinVar variation 264527 (VCV000264527.15), dbSNP rs766208976, ClinGen allele CA5319711.